The following is an entry in ClinVar:

ClinVar aggregate classification (germline): Likely benign (1 of 4 stars; one submission).

Allele frequency attached by ClinVar (database versions not stated): ESP Exome Variant Server 0.00054; gnomAD 0.00079; 1000 Genomes Project 30x 0.00219; 1000 Genomes Project 0.00220.
gnomAD v4.1: 1,522 of 1,614,204 alleles (0.094%); highest among the groups gnomAD compares: Middle Eastern, 0.81%; 13 homozygotes.

Submission:

CeGaT Center for Human Genetics Tuebingen
Classification: Likely benign. Last evaluated: 2022-10-01. Review status: criteria provided, single submitter. Criteria: CeGaT Center For Human Genetics Tuebingen Variant Classification Criteria Version 2. Collection method: clinical testing. Allele origin: germline. Affected: yes. Observed: 1 variant allele.
Comment: SUPT6H: BP4, BP7

NM_003170.5(SUPT6H):c.1629C>T (p.Pro543=)

Gene: SUPT6H (SPT6 homolog, histone chaperone and transcription elongation factor; plus strand). Cytogenetic location: 17q11.2.
Variant type: single nucleotide variant.
Coding change: c.1629C>T on transcript NM_003170.5 (MANE Select); coding-DNA position 1629, C replaced by T.
Protein change: p.Pro543=; no amino-acid change (proline 543 retained).
Molecular consequence: synonymous variant.
Genome position (GRCh38, 1-based): chr17:28,682,758, C>T. VCF-style: chr17-28682758-C-T. GRCh37 (hg19) VCF-style: chr17-27009776-C-T.
Other names: c.1629C>T, p.Pro543= (NM_001320755.2).
Identifiers: ClinVar variation 2647598 (VCV002647598.24), dbSNP rs146677116, ClinGen allele CA8464649.
Genomic context (GRCh38, chr17:28,682,758, plus strand): 5'-CTTACCCTTCACTCTTCTGTTTGCTTTAGATGGCCTGGCCAAAAAGTTTGGGCTTACTCC[C>T]GAGCAGTTTGGGGAGAACCTGCGGGATAGCTACCAGCGGCACGAGACAGAGCAGTTTCCC-3'
Protein context (NP_003161.2, residues 533-553): DGLAKKFGLT[Pro543=]EQFGENLRDS